The following is an entry in ClinVar:

NM_001348323.3(TRIP12):c.5075A>C (p.Glu1692Ala)

Gene: TRIP12 (thyroid hormone receptor interactor 12; minus strand). Cytogenetic location: 2q36.3.
Variant type: single nucleotide variant.
Coding change: c.5075A>C on transcript NM_001348323.3 (MANE Select); coding-DNA position 5075, A replaced by C.
Protein change: p.Glu1692Ala; replaces glutamic acid 1692 with alanine.
Molecular consequence: missense variant.
Genome position (GRCh38, 1-based): chr2:229,785,776, T>G on the plus strand (A>C on the coding strand, the complement: TRIP12 is on the minus strand). VCF-style: chr2-229785776-T-G. GRCh37 (hg19) VCF-style: chr2-230650492-T-G.
Other names: c.4994A>C, p.Glu1665Ala (NM_001284214.2, NM_001348315.2); c.4949A>C, p.Glu1650Ala (NM_001284215.2, NM_001348316.2); c.4040A>C, p.Glu1347Ala (NM_001284216.2); c.4934A>C, p.Glu1645Ala (NM_001348317.1, NM_001348318.2); c.5060A>C, p.Glu1687Ala (NM_001348319.1, NM_001348320.2); c.5063A>C, p.Glu1688Ala (NM_001348321.1); c.5075A>C, p.Glu1692Ala (NM_001348322.1, NM_001348324.2, NM_001348325.2 and 2 more transcripts); c.5078A>C, p.Glu1693Ala (NM_001348328.1, NM_001348329.2, NM_001348330.2); and 4 more; short protein forms E1645A, E1665A, E1347A, E1617A, E1693A, E1618A, E1650A, E1658A.
Identifiers: ClinVar variation 3461754 (VCV003461754.1).

ClinVar aggregate classification (germline): Uncertain significance (1 of 4 stars; one submission).

Conditions:
Inborn genetic diseases. Identifiers: MedGen C0950123, MeSH D030342.

Submission:

Ambry Genetics
Classification: Uncertain significance for Inborn genetic diseases. Last evaluated: 2024-10-23. Review status: criteria provided, single submitter. Criteria: Ambry Variant Classification Scheme 2023. Collection method: clinical testing. Allele origin: germline.
Comment: The c.4850A>C (p.E1617A) alteration is located in exon 33 (coding exon 32) of the TRIP12 gene. This alteration results from an A to C substitution at nucleotide position 4850, causing the glutamic acid (E) at amino acid position 1617 to be replaced by an alanine (A). This variant was not reported in population-based cohorts in the Genome Aggregation Database (gnomAD). This amino acid position is highly conserved in available vertebrate species. This alteration is predicted to be deleterious by in silico analysis. Based on insufficient or conflicting evidence, the clinical significance of this alteration remains unclear.